The following is an entry in ClinVar:

ClinVar aggregate classification (germline): Uncertain significance (1 of 4 stars; one submission).

Conditions:
CHARGE syndrome (CHARGE). Also called: Hittner Hirsch Kreh syndrome; CHARGE ASSOCIATION--COLOBOMA, HEART ANOMALY, CHOANAL ATRESIA, RETARDATION, GENITAL AND EAR ANOMALIES; Coloboma, heart anomaly, choanal atresia, retardation, genital and ear anomalies; CHARGE association; Hall-Hittner syndrome. Identifiers: Orphanet 138, MedGen C0265354, MONDO:0008965.

Submission:

Labcorp Genetics (formerly Invitae), Labcorp
Classification: Uncertain significance for CHARGE syndrome. Last evaluated: 2025-08-16. Review status: criteria provided, single submitter. Criteria: Invitae Variant Classification Sherloc (09022015). Collection method: clinical testing. Allele origin: germline.
Comment: This sequence change replaces glycine, which is neutral and non-polar, with valine, which is neutral and non-polar, at codon 109 of the SEMA3E protein (p.Gly109Val). This variant is not present in population databases (gnomAD no frequency). This variant has not been reported in the literature in individuals affected with SEMA3E-related conditions. Invitae Evidence Modeling of protein sequence and biophysical properties (such as structural, functional, and spatial information, amino acid conservation, physicochemical variation, residue mobility, and thermodynamic stability) indicates that this missense variant is expected to disrupt SEMA3E protein function with a positive predictive value of 80%. In summary, the available evidence is currently insufficient to determine the role of this variant in disease. Therefore, it has been classified as a Variant of Uncertain Significance.

NM_012431.3(SEMA3E):c.326G>T (p.Gly109Val)

Gene: SEMA3E (semaphorin 3E; minus strand). Cytogenetic location: 7q21.11.
Variant type: single nucleotide variant.
Coding change: c.326G>T on transcript NM_012431.3 (MANE Select); coding-DNA position 326, G replaced by T.
Protein change: p.Gly109Val; replaces glycine 109 with valine.
Molecular consequence: missense variant.
Genome position (GRCh38, 1-based): chr7:83,469,253, C>A on the plus strand (G>T on the coding strand, the complement: SEMA3E is on the minus strand). VCF-style: chr7-83469253-C-A. GRCh37 (hg19) VCF-style: chr7-83098569-C-A.
Other names: c.146G>T, p.Gly49Val (NM_001178129.2); short protein forms G109V, G49V.
Identifiers: ClinVar variation 4810131 (VCV004810131.1).
Genomic context (GRCh38, chr7:83,469,253, plus strand): 5'-ACTAGGGATATAATTGATGATTTGTTTAATTTACAATGAATCATACTTACCGCATCTTTT[C>A]CCTTCATTATGCATTCTTCCATTTTTAGAGCTGTACTCGGCCAGTGTATCTAAAATAAAA-3'
Protein context (NP_036563.1, residues 99-119): ALKMEECIMK[Gly109Val]KDAGECANYV